The following is an entry in ClinVar:

ClinVar aggregate classification (germline): Uncertain significance. Review status: criteria provided, multiple submitters, no conflicts (2 of 4 stars). 2 submissions from 2 submitters: Uncertain significance (2). Last evaluated 2026-04-23.

Allele frequency attached by ClinVar (database versions not stated): gnomAD 0.00005; gnomAD exomes 0.00011; TOPMed 0.00004; ExAC 0.00006.

Submissions (2):

GeneDx
Classification: Uncertain significance. Last evaluated: 2026-04-23. Review status: criteria provided, single submitter. Criteria: GeneDx Variant Classification Process June 2021. Collection method: clinical testing. Allele origin: germline.
Comment: In silico analysis suggests that this missense variant does not alter protein structure/function; Has not been previously published as pathogenic or benign to our knowledge

Labcorp Genetics (formerly Invitae), Labcorp
Classification: Uncertain significance. Last evaluated: 2022-06-26. Review status: criteria provided, single submitter. Criteria: Invitae Variant Classification Sherloc (09022015). Collection method: clinical testing. Allele origin: germline.
Comment: This sequence change replaces alanine, which is neutral and non-polar, with threonine, which is neutral and polar, at codon 38 of the PUS1 protein (p.Ala38Thr). The frequency data for this variant in the population databases is considered unreliable, as metrics indicate poor data quality at this position in the gnomAD database. This variant has not been reported in the literature in individuals affected with PUS1-related conditions. Algorithms developed to predict the effect of missense changes on protein structure and function output the following: SIFT: "Tolerated"; PolyPhen-2: "Benign"; Align-GVGD: "Class C0". The threonine amino acid residue is found in multiple mammalian species, which suggests that this missense change does not adversely affect protein function. In summary, the available evidence is currently insufficient to determine the role of this variant in disease. Therefore, it has been classified as a Variant of Uncertain Significance.

NM_025215.6(PUS1):c.112G>A (p.Ala38Thr)

Genes: PUS1 (pseudouridine synthase 1; plus strand), LOC130009240 (ATAC-STARR-seq lymphoblastoid silent region 5107; plus strand). Cytogenetic location: 12q24.33.
Variant type: single nucleotide variant.
Coding change: c.112G>A on transcript NM_025215.6 (MANE Select); coding-DNA position 112, G replaced by A.
Protein change: p.Ala38Thr; replaces alanine 38 with threonine.
Molecular consequence: missense variant.
Genome position (GRCh38, 1-based): chr12:131,929,944, G>A. VCF-style: chr12-131929944-G-A. GRCh37 (hg19) VCF-style: chr12-132414489-G-A.
Other names: c.112G>A (NM_025215.5); c.28G>A, p.Ala10Thr (NM_001002019.3, NM_001002020.3); short protein forms A10T, A38T.
Identifiers: ClinVar variation 2147096 (VCV002147096.2), dbSNP rs769032481, ClinGen allele CA6884001.
Genomic context (GRCh38, chr12:131,929,944, plus strand): 5'-GCTCACGCCGCCCTTCTCCGCAGCTCGCCGCGCATGGCCGGGAACGCGGAGCCGCCGCCC[G>A]CCGGAGCCGCATGCCCCCAGGACCGGAGGTCCTGCAGCGGCCGGGCCGGGGGCGACCGCG-3'
Protein context (NP_079491.2, residues 28-48): RMAGNAEPPP[Ala38Thr]GAACPQDRRS